The following is an entry in ClinVar:

NM_000089.4(COL1A2):c.4046T>C (p.Ile1349Thr)

Gene: COL1A2 (collagen type I alpha 2 chain; plus strand). Cytogenetic location: 7q21.3.
Variant type: single nucleotide variant.
Coding change: c.4046T>C on transcript NM_000089.4 (MANE Select); coding-DNA position 4046, T replaced by C.
Protein change: p.Ile1349Thr; replaces isoleucine 1349 with threonine.
Molecular consequence: missense variant.
Genome position (GRCh38, 1-based): chr7:94,430,338, T>C. VCF-style: chr7-94430338-T-C. GRCh37 (hg19) VCF-style: chr7-94059650-T-C.
Other names: short protein forms I1349T.
Identifiers: ClinVar variation 1703366 (VCV001703366.2), dbSNP rs1376550091, ClinGen allele CA368227330.

ClinVar aggregate classification (germline): Uncertain significance (1 of 4 stars; one submission).

Submission:

GeneDx
Classification: Uncertain significance. Last evaluated: 2022-02-25. Review status: criteria provided, single submitter. Criteria: GeneDx Variant Classification Process June 2021. Collection method: clinical testing. Allele origin: germline. Affected: yes.
Comment: Has not been previously published as pathogenic or benign to our knowledge; Not observed at significant frequency in large population cohorts (gnomAD); In silico analysis supports that this missense variant has a deleterious effect on protein structure/function; Not located in the triple helical region, where the majority of pathogenic missense variants occur (Stenson et al., 2014)